The following is an entry in ClinVar:

NM_001354604.2(MITF):c.1493C>T (p.Pro498Leu)

Gene: MITF (melanocyte inducing transcription factor; plus strand). Cytogenetic location: 3p13.
Variant type: single nucleotide variant.
Coding change: c.1493C>T on transcript NM_001354604.2 (MANE Select); coding-DNA position 1493, C replaced by T.
Protein change: p.Pro498Leu; replaces proline 498 with leucine.
Molecular consequence: missense variant.
Genome position (GRCh38, 1-based): chr3:69,965,160, C>T. VCF-style: chr3-69965160-C-T. GRCh37 (hg19) VCF-style: chr3-70014311-C-T.
Other names: c.1172C>T, p.Pro391Leu (NM_000248.4); c.1319C>T, p.Pro440Leu (NM_001184967.2, NM_001354608.2); c.1490C>T, p.Pro497Leu (NM_001354605.2); c.1472C>T, p.Pro491Leu (NM_001354606.2, NM_006722.3); c.1424C>T, p.Pro475Leu (NM_001354607.2); c.1154C>T, p.Pro385Leu (NM_198158.3); c.1475C>T, p.Pro492Leu (NM_198159.3); c.1427C>T, p.Pro476Leu (NM_198177.3); and 1 more; short protein forms P329L, P385L, P391L, P440L, P475L, P476L, P491L, P492L.
Identifiers: ClinVar variation 1722868 (VCV001722868.7), dbSNP rs1425262191, ClinGen allele CA353559958.

ClinVar aggregate classification (germline): Uncertain significance. Review status: criteria provided, multiple submitters, no conflicts (2 of 4 stars). 3 submissions from 3 submitters: Uncertain significance (3). Last evaluated 2025-01-24.

Conditions:
Melanoma, cutaneous malignant, susceptibility to, 8. Also called: Cutaneous malignant melanoma 8; MELANOMA AND RENAL CELL CARCINOMA, SUSCEPTIBILITY TO. Identifiers: Orphanet 293822, MedGen C3152204, MONDO:0013759, OMIM 614456.
Tietz syndrome (TADS). Also called: HYPOPIGMENTATION/DEAFNESS OF TIETZ; ALBINISM-DEAFNESS OF TIETZ; TIETZ ALBINISM-DEAFNESS SYNDROME. Identifiers: Orphanet 42665, MedGen C0391816, MONDO:0007077, OMIM 103500.
Waardenburg syndrome type 2A (WS2A). Also called: WAARDENBURG SYNDROME WITHOUT DYSTOPIA CANTHORUM. Identifiers: Orphanet 3440, MedGen C1860339, MONDO:0008671, OMIM 193510.
Hereditary cancer-predisposing syndrome. Also called: Neoplastic Syndromes, Hereditary; Tumor predisposition; Hereditary neoplastic syndrome; Hereditary Cancer Syndrome. Identifiers: Orphanet 140162, MedGen C0027672, MeSH D009386, MONDO:0015356.

Allele frequency attached by ClinVar (database versions not stated): gnomAD exomes 0.00001.
gnomAD v4.1: 17 of 1,613,956 alleles (0.0011%); highest among the groups gnomAD compares: Middle Eastern, 0.05%; no homozygotes.

Submissions (3):

Ambry Genetics
Classification: Uncertain significance for Hereditary cancer-predisposing syndrome. Last evaluated: 2025-01-24. Review status: criteria provided, single submitter. Criteria: Ambry Variant Classification Scheme 2023. Collection method: clinical testing. Allele origin: germline.

Labcorp Genetics (formerly Invitae), Labcorp
Classification: Uncertain significance for Melanoma, cutaneous malignant, susceptibility to, 8; Waardenburg syndrome type 2A; Tietz syndrome. Last evaluated: 2024-12-19. Review status: criteria provided, single submitter. Criteria: Invitae Variant Classification Sherloc (09022015). Collection method: clinical testing. Allele origin: germline.
Comment: This sequence change replaces proline, which is neutral and non-polar, with leucine, which is neutral and non-polar, at codon 391 of the MITF protein (p.Pro391Leu). This variant is present in population databases (no rsID available, gnomAD 0.01%). This variant has not been reported in the literature in individuals affected with MITF-related conditions. ClinVar contains an entry for this variant (Variation ID: 1722868). Invitae Evidence Modeling of protein sequence and biophysical properties (such as structural, functional, and spatial information, amino acid conservation, physicochemical variation, residue mobility, and thermodynamic stability) indicates that this missense variant is expected to disrupt MITF protein function with a positive predictive value of 80%. In summary, the available evidence is currently insufficient to determine the role of this variant in disease. Therefore, it has been classified as a Variant of Uncertain Significance.

GeneDx
Classification: Uncertain significance. Last evaluated: 2024-12-18. Review status: criteria provided, single submitter. Criteria: GeneDx Variant Classification Process June 2021. Collection method: clinical testing. Allele origin: germline. Affected: yes.
Comment: In silico analysis supports that this missense variant has a deleterious effect on protein structure/function; Has not been previously published as pathogenic or benign to our knowledge